The following is an entry in ClinVar:

NM_025137.4(SPG11):c.6205+1G>A

Gene: SPG11 (SPG11 vesicle trafficking associated, spatacsin; minus strand). Cytogenetic location: 15q21.1.
Variant type: single nucleotide variant.
Coding change: c.6205+1G>A on transcript NM_025137.4 (MANE Select); the canonical splice donor site of the intron after coding-DNA position 6205, G replaced by A.
Molecular consequence: splice donor variant. On other transcripts: intron variant (1).
Genome position (GRCh38, 1-based): chr15:44,573,546, C>T on the plus strand (G>A on the coding strand, the complement: SPG11 is on the minus strand). VCF-style: chr15-44573546-C-T. GRCh37 (hg19) VCF-style: chr15-44865744-C-T.
Other names: c.6061+1G>A (NM_001411132.1); c.5867-726G>A (NM_001160227.2).
Identifiers: ClinVar variation 977925 (VCV000977925.8), dbSNP rs753650233, ClinGen allele CA7534240.

ClinVar aggregate classification (germline): Pathogenic/Likely pathogenic. Review status: criteria provided, multiple submitters, no conflicts (2 of 4 stars). 2 submissions from 2 submitters: Pathogenic (1); Likely pathogenic (1). Last evaluated 2022-03-17.

Conditions:
Hereditary spastic paraplegia 11. Also called: Nakamura Osame syndrome; Autosomal recessive hereditary spastic paraplegia, mental impairment, and thin corpus callosum; SPASTIC PARAPLEGIA, AUTOSOMAL RECESSIVE, COMPLICATED, WITH THIN CORPUS CALLOSUM; SPASTIC PARAPLEGIA, AUTOSOMAL RECESSIVE, WITH MENTAL IMPAIRMENT AND THIN CORPUS CALLOSUM; Spastic Paraplegia 11; Spastic paraplegia, mental retardation and thin corpus callosum. Identifiers: Orphanet 2822, MedGen C1858479, MONDO:0011445, OMIM 604360.

Allele frequency attached by ClinVar (database versions not stated): gnomAD exomes 0.00001; ExAC 0.00002.
gnomAD v4.1: 12 of 1,614,168 alleles (0.00074%); highest among the groups gnomAD compares: South Asian, 0.0011%; no homozygotes.

Submissions (2):

Labcorp Genetics (formerly Invitae), Labcorp
Classification: Likely pathogenic for Hereditary spastic paraplegia 11. Last evaluated: 2022-03-17. Review status: criteria provided, single submitter. Criteria: Invitae Variant Classification Sherloc (09022015). Collection method: clinical testing. Allele origin: germline.
Comment: This sequence change affects a donor splice site in intron 32 of the SPG11 gene. It is expected to disrupt RNA splicing. Variants that disrupt the donor or acceptor splice site typically lead to a loss of protein function (PMID: 16199547), and loss-of-function variants in SPG11 are known to be pathogenic (PMID: 19105190, 20110243, 22154821, 26556829). This variant is present in population databases (rs753650233, gnomAD 0.003%). Disruption of this splice site has been observed in individual(s) with hereditary spastic paraplegia (PMID: 33084218; Invitae). ClinVar contains an entry for this variant (Variation ID: 977925). Algorithms developed to predict the effect of sequence changes on RNA splicing suggest that this variant may disrupt the consensus splice site. In summary, the currently available evidence indicates that the variant is pathogenic, but additional data are needed to prove that conclusively. Therefore, this variant has been classified as Likely Pathogenic.

Consultorio y Laboratorio de Neurogenética, Hospital JM Ramos Mejia
Classification: Pathogenic for Hereditary spastic paraplegia 11. Review status: criteria provided, single submitter. Criteria: CÃ³rdoba et al. (PLoS One. 2018). Collection method: clinical testing. Allele origin: unknown. Inheritance: Autosomal recessive inheritance. Affected: yes. Observed: 1 homozygote.

Literature cited by the submitters: PubMed 16199547 (cited by Labcorp Genetics (formerly Invitae), Labcorp); PubMed 19105190 (cited by Labcorp Genetics (formerly Invitae), Labcorp); PubMed 20110243 (cited by Labcorp Genetics (formerly Invitae), Labcorp); PubMed 22154821 (cited by Labcorp Genetics (formerly Invitae), Labcorp); PubMed 26556829 (cited by Labcorp Genetics (formerly Invitae), Labcorp); PubMed 33084218 (cited by Labcorp Genetics (formerly Invitae), Labcorp).